The following is an entry in ClinVar:

NM_006946.4(SPTBN2):c.5341G>A (p.Glu1781Lys)

Gene: SPTBN2 (spectrin beta, non-erythrocytic 2; minus strand). Cytogenetic location: 11q13.2.
Variant type: single nucleotide variant.
Coding change: c.5341G>A on transcript NM_006946.4 (MANE Select); coding-DNA position 5341, G replaced by A.
Protein change: p.Glu1781Lys; replaces glutamic acid 1781 with lysine.
Molecular consequence: missense variant.
Genome position (GRCh38, 1-based): chr11:66,691,508, C>T on the plus strand (G>A on the coding strand, the complement: SPTBN2 is on the minus strand). VCF-style: chr11-66691508-C-T. GRCh37 (hg19) VCF-style: chr11-66458979-C-T.
Other names: short protein forms E1781K.
Identifiers: ClinVar variation 429463 (VCV000429463.3), dbSNP rs777756110, ClinGen allele CA6128294.

ClinVar aggregate classification (germline): Uncertain significance (1 of 4 stars; one submission).

Allele frequency attached by ClinVar (database versions not stated): gnomAD exomes 0.00001; ExAC 0.00001.
gnomAD v4.1: 4 of 1,612,490 alleles (0.00025%); highest among the groups gnomAD compares: Admixed American, 0.005%; no homozygotes.

Submission:

GeneDx
Classification: Uncertain significance. Last evaluated: 2023-05-21. Review status: criteria provided, single submitter. Criteria: GeneDx Variant Classification Process June 2021. Collection method: clinical testing. Allele origin: germline. Affected: yes.
Comment: In silico analysis supports that this missense variant has a deleterious effect on protein structure/function; Has not been previously published as pathogenic or benign to our knowledge